The following is an entry in ClinVar:

NC_000016.10:g.(89767238_89769836)_(89783103_89784853)del

Gene: FANCA (FA complementation group A; minus strand). Cytogenetic location: 16q24.3.
Variant type: Deletion.
Identifiers: ClinVar variation 974227 (VCV000974227.1).

ClinVar aggregate classification (germline): Pathogenic (0 of 4 stars; one submission).

Conditions:
Fanconi anemia complementation group A (FANCA). Also called: Fanconi anemia, group A; FANCA-Related Fanconi Anemia. Identifiers: Orphanet 84, MedGen C3469521, MONDO:0009215, OMIM 227650.

Submission:

Leiden Open Variation Database
Classification: Pathogenic for Fanconi anemia complementation group A. Last evaluated: 2020-02-28. Review status: no assertion criteria provided. Collection method: curation. Allele origin: germline. Affected: yes.
Comment: Curator: Arleen D. Auerbach. Submitter to LOVD: Arleen D. Auerbach.